The following is an entry in ClinVar:

NM_144687.4(NLRP12):c.1996T>C (p.Tyr666His)

Gene: NLRP12 (NLR family pyrin domain containing 12; minus strand). Cytogenetic location: 19q13.42.
Variant type: single nucleotide variant.
Coding change: c.1996T>C on transcript NM_144687.4 (MANE Select); coding-DNA position 1996, T replaced by C.
Protein change: p.Tyr666His; replaces tyrosine 666 with histidine.
Molecular consequence: missense variant.
Genome position (GRCh38, 1-based): chr19:53,809,663, A>G on the plus strand (T>C on the coding strand, the complement: NLRP12 is on the minus strand). VCF-style: chr19-53809663-A-G. GRCh37 (hg19) VCF-style: chr19-54312917-A-G.
Other names: c.1996T>C, p.Tyr666His (NM_001277126.2, NM_001277129.1); short protein forms Y666H.
Identifiers: ClinVar variation 330029 (VCV000330029.18), dbSNP rs766112183, ClinGen allele CA9639299.

ClinVar aggregate classification (germline): Uncertain significance. Review status: criteria provided, multiple submitters, no conflicts (2 of 4 stars). 3 submissions from 3 submitters: Uncertain significance (3). Last evaluated 2026-01-18.

Conditions:
Autoinflammatory syndrome. Identifiers: Orphanet 93665, MedGen C3890737, MONDO:0019751.
Familial cold autoinflammatory syndrome 2 (FCAS2). Identifiers: Orphanet 247868, MedGen C2673198, MONDO:0012724, OMIM 611762.

Allele frequency attached by ClinVar (database versions not stated): TOPMed 0.00001; ExAC 0.00002; gnomAD exomes 0.00002 and 0.00003.
gnomAD v4.1: 26 of 1,613,902 alleles (0.0016%); highest among the groups gnomAD compares: Admixed American, 0.013%; no homozygotes.

Submissions (3):

Labcorp Genetics (formerly Invitae), Labcorp
Classification: Uncertain significance for Familial cold autoinflammatory syndrome 2. Last evaluated: 2026-01-18. Review status: criteria provided, single submitter. Criteria: Invitae Variant Classification Sherloc (09022015). Collection method: clinical testing. Allele origin: germline.
Comment: This sequence change replaces tyrosine, which is neutral and polar, with histidine, which is basic and polar, at codon 666 of the NLRP12 protein (p.Tyr666His). This variant is present in population databases (rs766112183, gnomAD 0.01%). This variant has not been reported in the literature in individuals affected with NLRP12-related conditions. ClinVar contains an entry for this variant (Variation ID: 330029). An algorithm developed to predict the effect of missense changes on protein structure and function outputs the following: PolyPhen-2: "Benign". The histidine amino acid residue is found in multiple mammalian species, which suggests that this missense change does not adversely affect protein function. In summary, the available evidence is currently insufficient to determine the role of this variant in disease. Therefore, it has been classified as a Variant of Uncertain Significance.

Genome Diagnostics Laboratory, The Hospital for Sick Children
Classification: Uncertain significance for Autoinflammatory syndrome. Last evaluated: 2021-04-08. Review status: criteria provided, single submitter. Criteria: ACMG Guidelines, 2015. Collection method: clinical testing. Allele origin: germline. Affected: yes.

Illumina Laboratory Services, Illumina
Classification: Uncertain significance for Familial cold autoinflammatory syndrome 2. Last evaluated: 2018-01-13. Review status: criteria provided, single submitter. Criteria: ICSL Variant Classification Criteria 13 December 2019. Collection method: clinical testing. Allele origin: germline.